The following is an entry in ClinVar:

ClinVar aggregate classification (germline): Benign (0 of 4 stars; one submission).

Conditions:
DAAM2-related disorder. Also called: DAAM2-related condition.

Allele frequency attached by ClinVar (database versions not stated): ExAC 0.00406; ESP Exome Variant Server 0.01104; gnomAD 0.01166; TOPMed 0.01274; 1000 Genomes Project 0.01338; 1000 Genomes Project 30x 0.01437.
gnomAD v4.1: 4,021 of 1,610,620 alleles (0.25%); highest among the groups gnomAD compares: African/African-American, 3.8%; 67 homozygotes.

Submission:

PreventionGenetics, part of Exact Sciences
Classification: Benign for DAAM2-related condition. Last evaluated: 2019-05-01. Review status: no assertion criteria provided. Collection method: clinical testing. Allele origin: germline.
Comment: This variant is classified as benign based on ACMG/AMP sequence variant interpretation guidelines (Richards et al. 2015 PMID: 25741868, with internal and published modifications).

NM_001201427.2(DAAM2):c.3177G>T (p.Arg1059=)

Gene: DAAM2 (dishevelled associated activator of morphogenesis 2; plus strand). Cytogenetic location: 6p21.2.
Variant type: single nucleotide variant.
Coding change: c.3177G>T on transcript NM_001201427.2 (MANE Select); coding-DNA position 3177, G replaced by T.
Protein change: p.Arg1059=; no amino-acid change (arginine 1059 retained).
Molecular consequence: synonymous variant.
Genome position (GRCh38, 1-based): chr6:39,902,007, G>T. VCF-style: chr6-39902007-G-T. GRCh37 (hg19) VCF-style: chr6-39869783-G-T.
Other names: c.3174G>T, p.Arg1058= (NM_015345.4).
Identifiers: ClinVar variation 3037540 (VCV003037540.2), dbSNP rs115009770, ClinGen allele CA3795572.
Genomic context (GRCh38, chr6:39,902,007, plus strand): 5'-CTTATGCAAGCTCAAGCGCAGCCGCAAGCGATCAGGGAGCCAGGCCCTGGAAGTTACCCG[G>T]GAGCGGGCAATAAACCGGCTAAATTATTGACCTGGGGAACTAGCCACACAGGAGGCCGGG-3'
Protein context (NP_001188356.1, residues 1049-1068): RSGSQALEVT[Arg1059=]ERAINRLNY